The following is an entry in ClinVar:

ClinVar aggregate classification (germline): Pathogenic. Review status: reviewed by expert panel (3 of 4 stars). 4 submissions from 4 submitters: Pathogenic (1). 3 of the submissions do not count toward it. Last evaluated 2018-08-31.

Conditions:
Cystic fibrosis (CF). Also called: MUCOVISCIDOSIS. Identifiers: Orphanet 586, MedGen C0010674, MONDO:0009061, OMIM 219700. Disease mechanism: loss of function.

Submissions (4):

CFTR2
Classification: Pathogenic for Cystic fibrosis. Last evaluated: 2018-08-31. Review status: reviewed by expert panel. Criteria: Sosnay PR et al. (Nat Genet 2013). Collection method: research. Allele origin: germline. Affected: yes.

Institute of Human Genetics, University of Leipzig Medical Center
Classification: Likely pathogenic for Cystic fibrosis. Last evaluated: 2022-09-05. Review status: criteria provided, single submitter. Criteria: ACMG Guidelines, 2015. Collection method: curation. Allele origin: unknown. Affected: yes. Observed: 1 variant allele. Not counted in ClinVar's aggregate classification.
Comment: The variant was classified in the context of a project re-classifying variants in the German Cystic Fibrosis Registry (Muko.e.V.). Criteria applied: PM2_SUP, PM3_STR, PM4

Labcorp Genetics (formerly Invitae), Labcorp
Classification: Likely pathogenic for Cystic fibrosis. Last evaluated: 2021-07-07. Review status: criteria provided, single submitter. Criteria: Invitae Variant Classification Sherloc (09022015). Collection method: clinical testing. Allele origin: germline. Not counted in ClinVar's aggregate classification.
Comment: In summary, the currently available evidence indicates that the variant is pathogenic, but additional data are needed to prove that conclusively. Therefore, this variant has been classified as Likely Pathogenic. This variant disrupts a region of the CFTR protein in which other variant(s) (p.Ile1005Arg) have been determined to be pathogenic (PMID: 7525450). This suggests that this is a clinically significant region of the protein, and that variants that disrupt it are likely to be disease-causing. ClinVar contains an entry for this variant (Variation ID: 634830). This variant is also known as c.3009_3017delAGCTATAGC, 3141del9, and 3143del9. This variant has been observed in individuals with cystic fibrosis (PMID: 23276700, 23974870). This variant is not present in population databases (ExAC no frequency). This variant, c.3011_3019del, results in the deletion of 3 amino acid(s) of the CFTR protein (p.Ala1004_Ala1006del), but otherwise preserves the integrity of the reading frame.

Johns Hopkins Genomics, Johns Hopkins University
Classification: Pathogenic for Cystic fibrosis. Last evaluated: 2020-01-07. Review status: criteria provided, single submitter. Criteria: ACMG Guidelines, 2015. Collection method: clinical testing. Allele origin: germline. Not counted in ClinVar's aggregate classification.
Comment: Disease-causing CFTR variant. See CFTR2 for phenotype information.

Literature cited by the submitters: PubMed 7525450 (cited by Labcorp Genetics (formerly Invitae), Labcorp); PubMed 23276700 (cited by Labcorp Genetics (formerly Invitae), Labcorp); PubMed 23974870 (cited by Labcorp Genetics (formerly Invitae), Labcorp).

NM_000492.4(CFTR):c.3011_3019del (p.Ala1004_Ala1006del)

Genes: CFTR (CF transmembrane conductance regulator; plus strand), CFTR-AS2 (CFTR antisense RNA 2; minus strand), LOC111674472 (DNase I hypersensitive sites in introns 16 and 17a of CFTR; plus strand). Cytogenetic location: 7q31.2.
Variant type: Deletion.
Coding change: c.3011_3019del on transcript NM_000492.4 (MANE Select); coding-DNA positions 3011 to 3019, 9 bases deleted (CTATAGCAG; older notation c.3011_3019delCTATAGCAG).
Protein change: p.Ala1004_Ala1006del.
Molecular consequence: inframe deletion.
Genome position (GRCh38, 1-based): chr7:117,610,541-117,610,549, CTATAGCAG deleted; deleting any 9 consecutive bases within chr7:117,610,539-117,610,549 gives the same sequence; the c. name uses the placement nearest the transcript's 3' end. VCF-style (leftmost placement, unchanged base first): chr7-117610538-GAGCTATAGC-G. GRCh37 (hg19) VCF-style: chr7-117250592-GAGCTATAGC-G.
Other names: 3141del9/3143del9; c.3011_3019delCTATAGCAG (NM_000492.3).
Identifiers: ClinVar variation 634830 (VCV000634830.10), dbSNP rs1562914072, ClinGen allele CA913189832.
Genomic context (GRCh38, chr7:117,610,538, plus strand): 5'-GAAAATGTTTACTCACCAACATGTTTTCTTTGATCTTACAGTTGTTATTAATTGTGATTG[GAGCTATAGC>G]AGTTGTCGCAGTTTTACAACCCTACATCTTTGTTGCAACAGTGCCAGTGATAGTGGCTTT-3'